The following continues an entry in ClinVar:

NM_000059.4(BRCA2):c.145G>T (p.Glu49Ter)

Gene: BRCA2. ClinVar aggregate classification (germline): Pathogenic. Pathogenic (1).

Submissions 10 to 27 of 27:

GeneDx
Classification: Pathogenic. Last evaluated: 2023-09-05. Review status: criteria provided, single submitter. Criteria: GeneDx Variant Classification Process June 2021. Collection method: clinical testing. Allele origin: germline. Affected: yes. Not counted in ClinVar's aggregate classification.
Comment: Nonsense variant demonstrated to result in protein truncation or nonsense mediated decay in a gene for which loss-of-function is a known mechanism of disease (Sanz et al., 2010); Observed in individuals with a personal and family history of breast and/or ovarian cancer (Bergthorsson et al., 2001; Llort et al., 2002; Gallardo et al., 2006; Vogel et al., 2007; Weitzel et al., 2013; de Juan et al., 2015); Not observed at significant frequency in large population cohorts (gnomAD); Truncating variants in this gene are considered pathogenic by a well-established clinical consortium and/or database; Also known as 373G>T; This variant is associated with the following publications: (PMID: 16261400, 20033483, 20927582, 28680148, 29922827, 11389159, 26681312, 24504028, 23479189, 26026974, 25639900, 25628955, 24123850, 28127413, 23233716, 11857748, 16284991, 17925560, 21913181, 29088781, 20215541, 18465347, 26295337, 21939546, 21120943, 29084914, 29983698, 30287823, 29446198, 30720243, 31454914, 31432501, 32341426, 32719484, 30787465, 31589614, 33754277, 33804961)

Clinical Genetics Laboratory, Skane University Hospital Lund
Classification: Pathogenic. Last evaluated: 2022-07-13. Review status: criteria provided, single submitter. Criteria: ACMG Guidelines, 2015. Collection method: clinical testing. Allele origin: germline. Affected: yes. Not counted in ClinVar's aggregate classification.

Women's Health and Genetics/Laboratory Corporation of America, LabCorp
Classification: Pathogenic for Hereditary breast ovarian cancer syndrome. Last evaluated: 2022-02-21. Review status: criteria provided, single submitter. Criteria: LabCorp Variant Classification Summary - May 2015. Collection method: clinical testing. Allele origin: germline. Not counted in ClinVar's aggregate classification.
Comment: Variant summary: BRCA2 c.145G>T (p.Glu49X) results in a premature termination codon, predicted to cause a truncation of the encoded protein or absence of the protein due to nonsense mediated decay, which are commonly known mechanisms for disease. Truncations downstream of this position have been classified as pathogenic by our laboratory. The variant allele was found at a frequency of 4e-06 in 251328 control chromosomes (gnomAD). c.145G>T has been reported in the literature in multiple individuals affected with Hereditary Breast And Ovarian Cancer Syndrome (example: Bergthorsson_2001, Vogel_2007, Alvarez_2017). These data indicate that the variant is very likely to be associated with disease. Functional studies indicate that this nonsense variant abrogates ESE binding site and causes deletion of 82 amino acid residues essential for PALB2 binding. The effect of alternative splicing can be described as p.Asp23Leu105del (Sanz_2010). 12 ClinVar submitters, including one expert panel (ENIGMA) and one consortium (CIMBA), have assessed this variant since 2014: all classified the variant as pathogenic. Based on the evidence outlined above, the variant was classified as pathogenic.

Revvity Omics, Revvity
Classification: Pathogenic. Last evaluated: 2022-02-11. Review status: criteria provided, single submitter. Criteria: ACMG Guidelines, 2015. Collection method: clinical testing. Allele origin: germline. Not counted in ClinVar's aggregate classification.

GeneKor MSA
Classification: Pathogenic for Hereditary Breast Carcinoma. Last evaluated: 2020-01-01. Review status: criteria provided, single submitter. Criteria: ACMG Guidelines, 2015. Collection method: clinical testing. Allele origin: germline. Affected: yes. Not counted in ClinVar's aggregate classification.
Comment: This is a single base change resulting in the substitution of the glutamic acid at amino acid position 49 of the BRCA2 protein by a stop codon, thus resulting in a truncated protein product. This variant has previously been reported as a pathogenic mutation in the BIC database.

Fulgent Genetics
Classification: Pathogenic for Familial cancer of breast; Medulloblastoma; Familial prostate cancer; Esophageal atresia/tracheoesophageal fistula; Wilms tumor 1; Fanconi anemia complementation group D1; Breast-ovarian cancer, familial, susceptibility to, 2; Glioma susceptibility 3; Pancreatic cancer, susceptibility to, 2. Last evaluated: 2017-05-18. Review status: criteria provided, single submitter. Criteria: ACMG Guidelines, 2015. Collection method: clinical testing. Allele origin: unknown. Not counted in ClinVar's aggregate classification.

Consortium of Investigators of Modifiers of BRCA1/2 (CIMBA), c/o University of Cambridge
Classification: Pathogenic for Breast-ovarian cancer, familial, susceptibility to, 2. Last evaluated: 2015-10-02. Review status: criteria provided, single submitter. Criteria: CIMBA Mutation Classification guidelines May 2016. Collection method: clinical testing. Allele origin: germline. Not counted in ClinVar's aggregate classification.

Department of Medical Genetics, Oslo University Hospital
Classification: Pathogenic for Breast-ovarian cancer, familial, susceptibility to, 2. Last evaluated: 2015-07-01. Review status: criteria provided, single submitter. Criteria: ACMG Guidelines, 2015. Collection method: clinical testing. Allele origin: germline. Affected: yes. Observed: 1 variant allele. Not counted in ClinVar's aggregate classification.

Laboratory for Genotyping Development, RIKEN
Classification: Pathogenic for Gastric cancer. Last evaluated: 2021-07-01. Review status: no assertion criteria provided. Collection method: research. Allele origin: germline. Not counted in ClinVar's aggregate classification.

BRCAlab, Lund University
Classification: Pathogenic for Breast-ovarian cancer, familial, susceptibility to, 2. Last evaluated: 2020-03-02. Review status: no assertion criteria provided. Collection method: clinical testing. Allele origin: germline. Affected: yes. Not counted in ClinVar's aggregate classification.

Counsyl
Classification: Likely pathogenic for Breast-ovarian cancer, familial 2. Last evaluated: 2014-09-26. Review status: no assertion criteria provided. Collection method: literature only. Allele origin: unknown. Inheritance: Autosomal dominant inheritance. Not counted in ClinVar's aggregate classification.

Research Molecular Genetics Laboratory, Women's College Hospital, University of Toronto
Classification: Pathogenic for Hereditary breast ovarian cancer syndrome. Last evaluated: 2014-01-31. Review status: no assertion criteria provided. Collection method: research. Allele origin: germline. Affected: yes. Study: The Canadian Open Genetics Repository (COGR). Not counted in ClinVar's aggregate classification.

Sharing Clinical Reports Project (SCRP)
Classification: Pathogenic for Breast-ovarian cancer, familial 2. Last evaluated: 2011-07-13. Review status: no assertion criteria provided. Collection method: clinical testing. Allele origin: germline. Not counted in ClinVar's aggregate classification.

Breast Cancer Information Core (BIC) (BRCA2)
Classification: Pathogenic for Breast-ovarian cancer, familial 2. Last evaluated: 2002-05-29. Review status: no assertion criteria provided. Collection method: clinical testing. Allele origin: germline. Affected: yes. Observed: 21 variant alleles. Not counted in ClinVar's aggregate classification.

Department of Pathology and Laboratory Medicine, Sinai Health System
Classification: Pathogenic for Malignant tumor of breast. Review status: no assertion criteria provided. Collection method: clinical testing. Allele origin: unknown. Affected: yes. Observed: 1 variant allele. Study: The Canadian Open Genetics Repository (COGR). Not counted in ClinVar's aggregate classification.
Comment: The p.Glu49X variant was identified in 6 of 3372 proband chromosomes (frequency: 0.002) from Hispanic and/or American, and Spanish individuals or families with breast and ovarian cancers (Pal 2005, Vogel 2007, de Juan Jimenez 2013); however, control chromosomes were not evaluated in these studies. In a study using splice site assays (lymphocyte reverse transcriptase PCR and/or hybrid minigene in HeLa and nontumour breast epithelial cells), the variant induced exon 3 skipping, indicating the splicing regulatory elements were altered, in agreement with the in-silico prediction model for splicing (Sanz 2010). The variant was also identified in dbSNP (ID: rs80358435) â€šÃ„ÃºWith pathogenic alleleâ€šÃ„Ã¹, but no frequency information was provided, thus the prevalence of this variant in the general population could not be determined. The p.Glu49X variant was also identified in HGMD, LOVD, COSMIC, the ClinVar database (classified as a pathogenic variant by the Sharing Clinical Reports Project, derived from Myriad reports, as pathogenic by BIC, as pathogenic by Ambry Genetics, and no classification provided by Invitae), GeneInsight VariantWire database (1X, classified as â€šÃ„Ãºpathogenicâ€šÃ„Ã¹ by a clinical laboratory), the BIC database (20X with pathogenic clinical importance), and UMD (20X as a 5-Causal variant). The p.Glu49X variant leads to a premature stop codon at position 49 of the polypeptide, which is predicted to lead to a truncated or absent protein and loss of function. Loss of function variants of the BRCA2 gene are an established mechanism of disease in hereditary breast and ovarian cancer and is the type of variant expected to cause the disorder. In summary, based on the above information, this variant is classified as pathogenic.

Diagnostic Laboratory, Department of Genetics, University Medical Center Groningen
Classification: Pathogenic. Review status: no assertion criteria provided. Collection method: clinical testing. Allele origin: germline. Affected: yes. Study: VKGL Data-share Consensus. Not counted in ClinVar's aggregate classification.

Joint Genome Diagnostic Labs from Nijmegen and Maastricht, Radboudumc and MUMC+
Classification: Pathogenic. Review status: no assertion criteria provided. Collection method: clinical testing. Allele origin: germline. Affected: yes. Study: VKGL Data-share Consensus. Not counted in ClinVar's aggregate classification.

Breast Cancer Information Core (BIC) (BRCA2)
Classification: Pathogenic for Breast-ovarian cancer, familial 2. Last evaluated: 2005-01-26. Review status: flagged submission. Collection method: clinical testing. Allele origin: germline. Affected: yes. Observed: 2 variant alleles. Not counted in ClinVar's aggregate classification.
ClinVar note: Reason: This record appears to be redundant with a more recent record from the same submitter.
ClinVar note: Notes: SCV000146248 appears to be redundant with SCV000146249.

Literature cited by the submitters: PubMed 20104584 (cited by Labcorp Genetics (formerly Invitae), Labcorp); PubMed 11389159 (cited by 5 submitters); PubMed 20215541 (cited by 5 submitters); PubMed 21120943 (cited by Labcorp Genetics (formerly Invitae), Labcorp); PubMed 23479189 (cited by 5 submitters); PubMed 24504028 (cited by 5 submitters); PubMed 17925560 (cited by Ambry Genetics and Women's Health and Genetics/Laboratory Corporation of America, LabCorp); PubMed 30287823 (cited by 4 submitters); PubMed 29088781 (cited by Center for Genomic Medicine, Rigshospitalet, Copenhagen University Hospital and Women's Health and Genetics/Laboratory Corporation of America, LabCorp); PubMed 29446198 (cited by 3 submitters); PubMed 33471991 (cited by 3 submitters); PubMed 11857748 (cited by Quest Diagnostics Nichols Institute San Juan Capistrano); PubMed 20927582 (cited by All of Us Research Program, National Institutes of Health and Color Diagnostics, LLC DBA Color Health); PubMed 18465347 (cited by Women's Health and Genetics/Laboratory Corporation of America, LabCorp); PubMed 36988593 (cited by Laboratory for Genotyping Development, RIKEN).